The following is an entry in ClinVar:

NM_004304.5(ALK):c.2696G>T (p.Gly899Val)

Gene: ALK (ALK receptor tyrosine kinase; minus strand). Cytogenetic location: 2p23.2.
Variant type: single nucleotide variant.
Coding change: c.2696G>T on transcript NM_004304.5 (MANE Select); coding-DNA position 2696, G replaced by T.
Protein change: p.Gly899Val; replaces glycine 899 with valine.
Molecular consequence: missense variant.
Genome position (GRCh38, 1-based): chr2:29,229,003, C>A on the plus strand (G>T on the coding strand, the complement: ALK is on the minus strand). VCF-style: chr2-29229003-C-A. GRCh37 (hg19) VCF-style: chr2-29451869-C-A.
Other names: short protein forms G899V.
Identifiers: ClinVar variation 4272609 (VCV004272609.1).

ClinVar aggregate classification (germline): Uncertain significance (1 of 4 stars; one submission).

Conditions:
Hereditary cancer-predisposing syndrome. Also called: Hereditary Cancer Syndrome; Hereditary neoplastic syndrome; Neoplastic Syndromes, Hereditary; Tumor predisposition. Identifiers: Orphanet 140162, MedGen C0027672, MeSH D009386, MONDO:0015356.

gnomAD v4.1: 1 of 1,612,318 alleles (0.000062%); highest among the groups gnomAD compares: African/African-American, 0.0013%; no homozygotes.

Submission:

Ambry Genetics
Classification: Uncertain significance for Hereditary cancer-predisposing syndrome. Last evaluated: 2025-07-24. Review status: criteria provided, single submitter. Criteria: Ambry Variant Classification Scheme 2023. Collection method: clinical testing. Allele origin: germline.
Comment: The p.G899V variant (also known as c.2696G>T), located in coding exon 16 of the ALK gene, results from a G to T substitution at nucleotide position 2696. The glycine at codon 899 is replaced by valine, an amino acid with dissimilar properties. This amino acid position is conserved. In addition, this alteration is predicted to be deleterious by in silico analysis. Based on the available evidence, the clinical significance of this variant remains unclear.